The following is an entry in ClinVar:

NM_198053.3(CD247):c.301C>T (p.Gln101Ter)

Gene: CD247 (CD247 molecule; minus strand). Cytogenetic location: 1q24.2.
Variant type: single nucleotide variant.
Coding change: c.301C>T on transcript NM_198053.3 (MANE Select); coding-DNA position 301, C replaced by T.
Protein change: p.Gln101Ter; replaces glutamine 101 with a stop codon.
Molecular consequence: nonsense. On other transcripts: intron variant (2).
Genome position (GRCh38, 1-based): chr1:167,435,434, G>A on the plus strand (C>T on the coding strand, the complement: CD247 is on the minus strand). VCF-style: chr1-167435434-G-A. GRCh37 (hg19) VCF-style: chr1-167404671-G-A.
Other names: c.394C>T, p.Gln132Ter (NM_001378515.1); c.301-3C>T (NM_000734.4); c.394-3C>T (NM_001378516.1); short protein forms Q101*, Q132*.
Identifiers: ClinVar variation 419227 (VCV000419227.16), dbSNP rs55729925, ClinGen allele CA1225996.
Genomic context (GRCh38, chr1:167,435,434, plus strand): 5'-CAAATGTGAGGTCTCCTCTACTCACATTGTACAGGCCTTCCTGAGGGTTCTTCCTTCTCT[G>A]CTAGGAAAGACAACGGGAAGACGTTAGAGGGAGAGAAACACAAACCCAAGCCATGAAAGT-3'

ClinVar aggregate classification (germline): Pathogenic/Likely pathogenic. Review status: criteria provided, multiple submitters, no conflicts (2 of 4 stars). 7 submissions from 7 submitters: Pathogenic (4); Likely pathogenic (2). 1 of the submissions does not count toward it. Last evaluated 2026-01-29.

Conditions:
CD247-related disorder. Also called: CD247-related condition.
Severe combined immunodeficiency disease. Also called: Severe combined immunodeficiency; Severe Combined Immune Deficiency. Identifiers: Orphanet 183660, MedGen C0085110, MeSH D016511, MONDO:0015974, HP:0004430. Inheritance: X-Linked or Autosomal recessive.
Immunodeficiency 25. Also called: Immunodeficiency due to defect in cd3-zeta, somatic. Identifiers: MedGen C1857798, MONDO:0012426, OMIM 610163.

Allele frequency attached by ClinVar (database versions not stated): ESP Exome Variant Server 0.00008; gnomAD 0.00021; ExAC 0.00022; TOPMed 0.00025; gnomAD exomes 0.00028.
gnomAD v4.1: 439 of 1,611,206 alleles (0.027%); highest among the groups gnomAD compares: Non-Finnish European, 0.03%; 1 homozygote.

Submissions (9):

Labcorp Genetics (formerly Invitae), Labcorp
Classification: Pathogenic for Immunodeficiency 25. Last evaluated: 2026-01-29. Review status: criteria provided, single submitter. Criteria: Invitae Variant Classification Sherloc (09022015). Collection method: clinical testing. Allele origin: germline.
Comment: This sequence change creates a premature translational stop signal (p.Gln101*) in the CD247 gene. It is expected to result in an absent or disrupted protein product. Loss-of-function variants in CD247 are known to be pathogenic (PMID: 17170122, 26542031). This variant is present in population databases (rs55729925, gnomAD 0.07%). This variant has not been reported in the literature in individuals affected with CD247-related conditions. ClinVar contains an entry for this variant (Variation ID: 419227). For these reasons, this variant has been classified as Pathogenic.

GeneDx
Classification: Pathogenic. Last evaluated: 2025-10-13. Review status: criteria provided, single submitter. Criteria: GeneDx Variant Classification Process June 2021. Collection method: clinical testing. Allele origin: germline. Affected: yes.
Comment: Identified heterozygous in individuals with immune system irregularities, however a second CD247 variant was not identified in these cases (PMID: 38992472); Published functional studies demonstrate a damaging effect, specifically reduced T-cell receptor expression (PMID: 38992472); Nonsense variant predicted to result in protein truncation or nonsense mediated decay in a gene for which loss of function is a known mechanism of disease; This variant is associated with the following publications: (PMID: 31345219, 38992472, 31589614)

Blueprint Genetics
Classification: Likely pathogenic for CD247-related disorders. Last evaluated: 2024-09-23. Review status: criteria provided, single submitter. Criteria: ACMG Guidelines, 2015. Collection method: clinical testing. Allele origin: germline. Affected: yes. Observed: 5 variant alleles.

Women's Health and Genetics/Laboratory Corporation of America, LabCorp
Classification: Pathogenic for Severe combined immunodeficiency disease. Last evaluated: 2024-04-30. Review status: criteria provided, single submitter. Criteria: LabCorp Variant Classification Summary - May 2015. Collection method: clinical testing. Allele origin: germline.
Comment: Variant summary: CD247 c.301C>T (p.Gln101X) results in a premature termination codon, predicted to cause a truncation of the encoded protein or absence of the protein due to nonsense mediated decay, which are commonly known mechanisms for disease. The variant allele was found at a frequency of 0.00026 in 250742 control chromosomes in the gnomAD database, including 1 homozygotes. This frequency is not significantly higher than estimated for a pathogenic variant in CD247 causing Severe Combined Immunodeficiency (0.00026 vs 0.00035), allowing no conclusion about variant significance. c.301C>T has been reported in the literature in individuals affected with Primary immunodeficiencies (examples: Gallo_2016 and Rudilla_2019). The following publications have been ascertained in the context of this evaluation (PMID: 27872624, 31681265). ClinVar contains an entry for this variant (Variation ID: 419227). Based on the evidence outlined above, the variant was classified as pathogenic.

Department of Pathology and Laboratory Medicine, Sinai Health System
Classification: Pathogenic for Immunodeficiency 25. Last evaluated: 2022-08-29. Review status: criteria provided, single submitter. Criteria: ACMG Guidelines, 2015. Collection method: research. Allele origin: germline.

Fulgent Genetics
Classification: Likely pathogenic for Immunodeficiency 25. Last evaluated: 2018-10-31. Review status: criteria provided, single submitter. Criteria: ACMG Guidelines, 2015. Collection method: clinical testing. Allele origin: unknown.

PreventionGenetics, part of Exact Sciences
Classification: Likely pathogenic for CD247-related condition. Last evaluated: 2024-08-22. Review status: no assertion criteria provided. Collection method: clinical testing. Allele origin: germline. Not counted in ClinVar's aggregate classification.
Comment: The CD247 c.301C>T variant is predicted to result in premature protein termination (p.Gln101*). This variant was reported in the heterozygous state, and interpreted as pathogenic, in individuals undergoing preconception carrier screening analyses (Supplementary Table 001, Capalbo et al. 2019. PubMed ID: 31589614). This variant is reported in 0.068% of alleles in individuals of European (Finnish) descent in gnomAD. Nonsense variants in CD247 are expected to be pathogenic. This variant is interpreted as likely pathogenic.

Dr. Peter K. Rogan Lab, Western University
No classification provided (evidence only). Condition: Cervical cancer. Review status: no classification provided. Collection method: in vitro. Allele origin: not applicable. Functional consequence: retained intron. Not counted in ClinVar's aggregate classification.

Dr. Peter K. Rogan Lab, Western University
No classification provided (evidence only). Condition: Adrenocortical carcinoma, hereditary. Review status: no classification provided. Collection method: in vitro. Allele origin: not applicable. Functional consequence: retained intron. Not counted in ClinVar's aggregate classification.

Literature cited by the submitters: PubMed 17170122 (cited by Labcorp Genetics (formerly Invitae), Labcorp); PubMed 26542031 (cited by Labcorp Genetics (formerly Invitae), Labcorp); PubMed 27872624 (cited by Women's Health and Genetics/Laboratory Corporation of America, LabCorp); PubMed 31681265 (cited by Women's Health and Genetics/Laboratory Corporation of America, LabCorp).